The following is an entry in ClinVar:

ClinVar aggregate classification (germline): Uncertain significance (1 of 4 stars; one submission).

Allele frequency attached by ClinVar (database versions not stated): TOPMed 0.00001; gnomAD 0.00001; ESP Exome Variant Server 0.00009.
gnomAD v4.1: 2 of 1,208,147 alleles (0.00017%); highest among the groups gnomAD compares: Non-Finnish European, 0.00022%; no homozygotes.

Submission:

Labcorp Genetics (formerly Invitae), Labcorp
Classification: Uncertain significance. Last evaluated: 2025-03-07. Review status: criteria provided, single submitter. Criteria: Invitae Variant Classification Sherloc (09022015). Collection method: clinical testing. Allele origin: germline.
Comment: This sequence change replaces glutamine, which is neutral and polar, with histidine, which is basic and polar, at codon 38 of the TIMM8A protein (p.Gln38His). This variant is not present in population databases (gnomAD no frequency). This variant has not been reported in the literature in individuals affected with TIMM8A-related conditions. ClinVar contains an entry for this variant (Variation ID: 1955656). An algorithm developed to predict the effect of missense changes on protein structure and function (PolyPhen-2) suggests that this variant is likely to be tolerated. In summary, the available evidence is currently insufficient to determine the role of this variant in disease. Therefore, it has been classified as a Variant of Uncertain Significance.

NM_004085.4(TIMM8A):c.114G>C (p.Gln38His)

Gene: TIMM8A (translocase of inner mitochondrial membrane 8A; minus strand). Cytogenetic location: Xq22.1.
Variant type: single nucleotide variant.
Coding change: c.114G>C on transcript NM_004085.4 (MANE Select); coding-DNA position 114, G replaced by C.
Protein change: p.Gln38His; replaces glutamine 38 with histidine.
Molecular consequence: missense variant.
Genome position (GRCh38, 1-based): chrX:101,348,551, C>G on the plus strand (G>C on the coding strand, the complement: TIMM8A is on the minus strand). VCF-style: chrX-101348551-C-G. GRCh37 (hg19) VCF-style: chrX-100603539-C-G.
Other names: c.114G>C, p.Gln38His (NM_001145951.2); short protein forms Q38H.
Identifiers: ClinVar variation 1955656 (VCV001955656.5), dbSNP rs149857257, ClinGen allele CA333095732.